The following is an entry in ClinVar:

NM_004415.4(DSP):c.3162_3164del (p.Lys1054del)

Gene: DSP (desmoplakin; plus strand). Cytogenetic location: 6p24.3.
Variant type: Deletion.
Coding change: c.3162_3164del on transcript NM_004415.4 (MANE Select); coding-DNA positions 3162 to 3164, 3 bases deleted (GAA; older notation c.3162_3164delGAA).
Protein change: p.Lys1054del; deletes lysine 1054.
Molecular consequence: inframe deletion.
Genome position (GRCh38, 1-based): chr6:7,579,352-7,579,354, GAA deleted; deleting any 3 consecutive bases within chr6:7,579,350-7,579,354 gives the same sequence; the c. name uses the placement nearest the transcript's 3' end. VCF-style (leftmost placement, unchanged base first): chr6-7579349-TAAG-T. GRCh37 (hg19) VCF-style: chr6-7579582-TAAG-T.
Other names: c.3162_3164del, p.Lys1054del (NM_001008844.3, NM_001319034.2); short protein forms K1054del.
Identifiers: ClinVar variation 3074328 (VCV003074328.3), dbSNP rs1759343081, ClinGen allele CA1608613665.

ClinVar aggregate classification (germline): Uncertain significance. Review status: criteria provided, multiple submitters, no conflicts (2 of 4 stars). 3 submissions from 3 submitters: Uncertain significance (3). Last evaluated 2025-12-01.

Conditions:
Cardiomyopathy (CMYO). Also called: Cardiomyopathies. Identifiers: Orphanet 167848, MedGen C0878544, MONDO:0004994, HP:0001638. Inheritance: Various modes of inheritance.
Arrhythmogenic right ventricular dysplasia 8 (ARVD8). Also called: ARRHYTHMOGENIC RIGHT VENTRICULAR DYSPLASIA, FAMILIAL, 8; ARRHYTHMOGENIC RIGHT VENTRICULAR CARDIOMYOPATHY 8; Arrhythmogenic Right Ventricular Dysplasia/Cardiomyopathy 8. Identifiers: MedGen C1843896, MONDO:0011831, OMIM 607450.
Arrhythmogenic cardiomyopathy with wooly hair and keratoderma. Also called: PALMOPLANTAR KERATODERMA WITH LEFT VENTRICULAR CARDIOMYOPATHY AND WOOLLY HAIR; Carvajal syndrome; Dilated cardiomyopathy with woolly hair and keratoderma; Arrhythmogenic cardiomyopathy with woolly hair and keratoderma. Identifiers: Orphanet 65282, MedGen C1854063, MONDO:0011581, OMIM 605676.

Submissions (3):

Labcorp Genetics (formerly Invitae), Labcorp
Classification: Uncertain significance for Arrhythmogenic cardiomyopathy with wooly hair and keratoderma; Arrhythmogenic right ventricular dysplasia 8. Last evaluated: 2025-12-01. Review status: criteria provided, single submitter. Criteria: Invitae Variant Classification Sherloc (09022015). Collection method: clinical testing. Allele origin: germline.
Comment: This variant, c.3162_3164del, results in the deletion of 1 amino acid(s) of the DSP protein (p.Lys1054del), but otherwise preserves the integrity of the reading frame. This variant is not present in population databases (gnomAD no frequency). This variant has not been reported in the literature in individuals affected with DSP-related conditions. ClinVar contains an entry for this variant (Variation ID: 3074328). Experimental studies and prediction algorithms are not available or were not evaluated, and the functional significance of this variant is currently unknown. In summary, the available evidence is currently insufficient to determine the role of this variant in disease. Therefore, it has been classified as a Variant of Uncertain Significance.

All of Us Research Program, National Institutes of Health
Classification: Uncertain significance for Arrhythmogenic cardiomyopathy with wooly hair and keratoderma. Last evaluated: 2023-11-02. Review status: criteria provided, single submitter. Criteria: ACMG Guidelines, 2015. Collection method: clinical testing. Allele origin: germline. Inheritance: Autosomal dominant inheritance. Observed: 1 variant allele, 1 heterozygote.
Comment: This variant causes an in-frame deletion of one amino acid in the DSP protein. To our knowledge, functional studies have not been reported for this variant. This variant has not been reported in individuals affected with cardiovascular disorders in the literature. This variant has not been identified in the general population by the Genome Aggregation Database (gnomAD). The available evidence is insufficient to determine the role of this variant in disease conclusively. Therefore, this variant is classified as a Variant of Uncertain Significance.

This study involves interpretation of variants in research participants for the purpose of population health screening. Participant phenotype was not available at the time of variant classification. Additional details can be found in publication PMID: 35346344, PMCID: PMC8962531

Color Diagnostics, LLC DBA Color Health
Classification: Uncertain significance for Cardiomyopathy. Last evaluated: 2023-10-12. Review status: criteria provided, single submitter. Criteria: ACMG Guidelines, 2015. Collection method: clinical testing. Allele origin: germline.
Comment: This variant causes an in-frame deletion of one amino acid in the DSP protein. To our knowledge, functional studies have not been reported for this variant. This variant has not been reported in individuals affected with cardiovascular disorders in the literature. This variant has not been identified in the general population by the Genome Aggregation Database (gnomAD). The available evidence is insufficient to determine the role of this variant in disease conclusively. Therefore, this variant is classified as a Variant of Uncertain Significance.